The following is an entry in ClinVar:

ClinVar aggregate classification (germline): Likely benign (1 of 4 stars; one submission).

Allele frequency attached by ClinVar (database versions not stated): 1000 Genomes Project 30x 0.00031; 1000 Genomes Project 0.00040; gnomAD 0.00257; ESP Exome Variant Server 0.00292; TOPMed 0.00310; gnomAD exomes 0.00316.
gnomAD v4.1: 5,046 of 1,613,462 alleles (0.31%); highest among the groups gnomAD compares: Middle Eastern, 1.7%; 11 homozygotes.

Submission:

CeGaT Center for Human Genetics Tuebingen
Classification: Likely benign. Last evaluated: 2023-03-01. Review status: criteria provided, single submitter. Criteria: CeGaT Center For Human Genetics Tuebingen Variant Classification Criteria Version 2. Collection method: clinical testing. Allele origin: germline. Affected: yes. Observed: 3 variant alleles.
Comment: ARHGAP21: BP4, BP7

NM_020824.4(ARHGAP21):c.5835T>A (p.Ser1945=)

Gene: ARHGAP21 (Rho GTPase activating protein 21; minus strand). Cytogenetic location: 10p12.1.
Variant type: single nucleotide variant.
Coding change: c.5835T>A on transcript NM_020824.4 (MANE Select); coding-DNA position 5835, T replaced by A.
Protein change: p.Ser1945=; no amino-acid change (serine 1945 retained).
Molecular consequence: synonymous variant. On other transcripts: non-coding transcript variant (5).
Genome position (GRCh38, 1-based): chr10:24,584,454, A>T on the plus strand (T>A on the coding strand, the complement: ARHGAP21 is on the minus strand). VCF-style: chr10-24584454-A-T. GRCh37 (hg19) VCF-style: chr10-24873383-A-T.
Other names: c.5196T>A, p.Ser1732= (NM_001367455.1); c.5805T>A, p.Ser1935= (NM_001367447.1, NM_001367451.1, NM_001367453.1); c.5835T>A, p.Ser1945= (NM_001367448.1, NM_001367454.1); c.5541T>A, p.Ser1847= (NM_001367449.1, NM_001367450.1); c.5364T>A, p.Ser1788= (NM_001367452.1).
Identifiers: ClinVar variation 2640350 (VCV002640350.24), dbSNP rs138011350, ClinGen allele CA5440704.